The following is an entry in ClinVar:

NM_000719.7(CACNA1C):c.2977G>A (p.Val993Ile)

Gene: CACNA1C (calcium voltage-gated channel subunit alpha1 C; plus strand). Cytogenetic location: 12p13.33.
Variant type: single nucleotide variant.
Coding change: c.2977G>A on transcript NM_000719.7 (MANE Select); coding-DNA position 2977, G replaced by A.
Protein change: p.Val993Ile; replaces valine 993 with isoleucine.
Molecular consequence: missense variant.
Genome position (GRCh38, 1-based): chr12:2,605,097, G>A. VCF-style: chr12-2605097-G-A. GRCh37 (hg19) VCF-style: chr12-2714263-G-A.
Other names: c.2977G>A, p.Val993Ile (NM_001129831.2, NM_001129833.2, NM_001129834.2 and 15 more transcripts); c.3037G>A, p.Val1013Ile (NM_001129832.2, NM_199460.4, NM_001129827.2); c.2968G>A, p.Val990Ile (NM_001129844.2); short protein forms V1013I, V990I, V993I.
Identifiers: ClinVar variation 5005083 (VCV005005083.2).
Genomic context (GRCh38, chr12:2,605,097, plus strand): 5'-AGAAACAGGAGGAGCTTACTACCCTGCCTGTTTCCCTCTCCCAGGTCCAGTGCAATCAAT[G>A]TCGTGAAGATCTTGCGAGTCCTGCGAGTACTCAGGCCCCTGAGGGCCATCAACAGGGCCA-3'
Protein context (NP_000710.5, residues 983-1003): SFGIQSSAIN[Val993Ile]VKILRVLRVL

ClinVar aggregate classification (germline): Uncertain significance (1 of 4 stars; one submission).

Conditions:
Neurodevelopmental disorder with hypotonia, language delay, and skeletal defects with or without seizures (NEDHLSS). Identifiers: MedGen C5774213, MONDO:0859286, OMIM 620029.
Long QT syndrome 8. Identifiers: MedGen CN260585, MONDO:0032756, OMIM 618447.
Brugada syndrome 3 (BRGDA3). Identifiers: Orphanet 130, MedGen C2678478, MONDO:0012742, OMIM 611875.
Timothy syndrome (TS). Also called: LONG QT SYNDROME WITH SYNDACTYLY. Identifiers: Orphanet 65283, MedGen C1832916, MeSH C536962, MONDO:0010979, OMIM 601005.

Submission:

Juno Genomics, Hangzhou Juno Genomics, Inc
Classification: Uncertain significance for Timothy syndrome; Neurodevelopmental disorder with hypotonia, language delay, and skeletal defects with or without seizures; Brugada syndrome 3; Long QT syndrome 8. Review status: criteria provided, single submitter. Criteria: ACMG Guidelines, 2015. Collection method: clinical testing. Allele origin: germline.
Comment: Missense variant in a gene that has a low rate of benign missense variation.;Multiple lines of computational evidence support a deleterious effect on the gene or gene product.;Absent from controls (or at extremely low frequency if recessive) in Genome Aggregation Database.